The following is an entry in ClinVar:

ClinVar aggregate classification (germline): Uncertain significance (1 of 4 stars; one submission).

Conditions:
Orthostatic hypotension 1 (ORTHYP1). Also called: Dopamine beta-hydroxylase deficiency; NORADRENALINE DEFICIENCY; NOREPINEPHRINE DEFICIENCY; Orthostatic hypotension 1, due to DBH deficiency. Identifiers: Orphanet 230, MedGen C4746777, MONDO:0009123, OMIM 223360.

Allele frequency attached by ClinVar (database versions not stated): gnomAD exomes below 0.00001; ExAC 0.00001; TOPMed 0.00001; gnomAD 0.00002.
gnomAD v4.1: 6 of 1,603,136 alleles (0.00037%); highest among the groups gnomAD compares: African/African-American, 0.008%; no homozygotes.

Submission:

Labcorp Genetics (formerly Invitae), Labcorp
Classification: Uncertain significance for Orthostatic hypotension 1. Last evaluated: 2022-05-07. Review status: criteria provided, single submitter. Criteria: Invitae Variant Classification Sherloc (09022015). Collection method: clinical testing. Allele origin: germline.
Comment: This variant has not been reported in the literature in individuals affected with DBH-related conditions. This variant is present in population databases (rs764135068, gnomAD 0.008%). This sequence change replaces threonine, which is neutral and polar, with isoleucine, which is neutral and non-polar, at codon 109 of the DBH protein (p.Thr109Ile). Algorithms developed to predict the effect of missense changes on protein structure and function (SIFT, PolyPhen-2, Align-GVGD) all suggest that this variant is likely to be tolerated. In summary, the available evidence is currently insufficient to determine the role of this variant in disease. Therefore, it has been classified as a Variant of Uncertain Significance.

NM_000787.4(DBH):c.326C>T (p.Thr109Ile)

Gene: DBH (dopamine beta-hydroxylase; plus strand). Cytogenetic location: 9q34.2.
Variant type: single nucleotide variant.
Coding change: c.326C>T on transcript NM_000787.4 (MANE Select); coding-DNA position 326, C replaced by T.
Protein change: p.Thr109Ile; replaces threonine 109 with isoleucine.
Molecular consequence: missense variant.
Genome position (GRCh38, 1-based): chr9:133,636,697, C>T. VCF-style: chr9-133636697-C-T. GRCh37 (hg19) VCF-style: chr9-136501819-C-T.
Other names: short protein forms T109I.
Identifiers: ClinVar variation 2195694 (VCV002195694.4), dbSNP rs764135068, ClinGen allele CA5313008.